The following is an entry in ClinVar:

NM_000304.4(PMP22):c.34C>T (p.His12Tyr)

Gene: PMP22 (peripheral myelin protein 22; minus strand). Cytogenetic location: 17p12.
Variant type: single nucleotide variant.
Coding change: c.34C>T on transcript NM_000304.4 (MANE Select); coding-DNA position 34, C replaced by T.
Protein change: p.His12Tyr; replaces histidine 12 with tyrosine.
Molecular consequence: missense variant.
Genome position (GRCh38, 1-based): chr17:15,260,694, G>A on the plus strand (C>T on the coding strand, the complement: PMP22 is on the minus strand). VCF-style: chr17-15260694-G-A. GRCh37 (hg19) VCF-style: chr17-15164011-G-A.
Other names: c.34C>T, p.His12Tyr (NM_001281455.2, NM_001281456.2, NM_001330143.2 and 2 more transcripts); short protein forms H12Y.
Identifiers: ClinVar variation 1687565 (VCV001687565.1), dbSNP rs2150710219, ClinGen allele CA398271733.

ClinVar aggregate classification (germline): Likely pathogenic (1 of 4 stars; one submission).

Conditions:
Dejerine-Sottas disease. Also called: DEJERINE-SOTTAS NEUROPATHY; HMSN Type III; Hereditary motor and sensory neuropathy 3; Charcot-Marie-Tooth disease type 3; HEREDITARY MOTOR AND SENSORY NEUROPATHY TYPE III. Identifiers: Orphanet 64748, MedGen C0011195, MONDO:0007790, OMIM 145900.

Submission:

3billion
Classification: Likely pathogenic for Dejerine-Sottas disease. Last evaluated: 2022-05-22. Review status: criteria provided, single submitter. Criteria: ACMG Guidelines, 2015. Collection method: clinical testing. Allele origin: germline. Affected: yes. Observed: 1 heterozygote.
Comment: The variant is not observed in the gnomAD v2.1.1 dataset. Missense changes are a common disease-causing mechanism. In silico tool predictions suggest damaging effect of the variant on gene or gene product (REVEL: 0.77; 3Cnet: 0.70). Different missense changes at the same codon (p.His12Arg, p.His12Gln) have been reported as pathogenic/likely pathogenic with strong evidence (ClinVar ID: VCV000008434, VCV000835185). Therefore, this variant is classified as likely pathogenic according to the recommendation of ACMG/AMP guideline.